The following is an entry in ClinVar:

NM_001999.4(FBN2):c.8681A>C (p.Tyr2894Ser)

Gene: FBN2 (fibrillin 2; minus strand). Cytogenetic location: 5q23.3.
Variant type: single nucleotide variant.
Coding change: c.8681A>C on transcript NM_001999.4 (MANE Select); coding-DNA position 8681, A replaced by C.
Protein change: p.Tyr2894Ser; replaces tyrosine 2894 with serine.
Molecular consequence: missense variant.
Genome position (GRCh38, 1-based): chr5:128,259,513, T>G on the plus strand (A>C on the coding strand, the complement: FBN2 is on the minus strand). VCF-style: chr5-128259513-T-G. GRCh37 (hg19) VCF-style: chr5-127595205-T-G.
Other names: short protein forms Y2894S.
Identifiers: ClinVar variation 1214720 (VCV001214720.17), dbSNP rs779659640, ClinGen allele CA360744854.

ClinVar aggregate classification (germline): Uncertain significance. Review status: criteria provided, multiple submitters, no conflicts (2 of 4 stars). 5 submissions from 5 submitters: Uncertain significance (5). Last evaluated 2026-02-19.

Conditions:
FBN2-related disorder. Also called: FBN2-related condition.
Familial thoracic aortic aneurysm and aortic dissection (TAAD). Also called: Thoracic aortic aneurysms and dissections. Identifiers: Orphanet 91387, MedGen C4707243, MONDO:0019625.
Congenital contractural arachnodactyly (CCA). Also called: BEALS SYNDROME; Arthrogryposis, distal, type 9; Beals-Hecht syndrome. Identifiers: Orphanet 115, MedGen C0220668, MONDO:0007363, OMIM 121050.

Allele frequency attached by ClinVar (database versions not stated): gnomAD 0.00001.
gnomAD v4.1: 15 of 1,613,664 alleles (0.00093%); highest among the groups gnomAD compares: Non-Finnish European, 0.0011%; no homozygotes.

Submissions (5):

Ambry Genetics
Classification: Uncertain significance for Familial thoracic aortic aneurysm and aortic dissection. Last evaluated: 2026-02-19. Review status: criteria provided, single submitter. Criteria: Ambry Variant Classification Scheme 2023. Collection method: clinical testing. Allele origin: germline.
Comment: The p.Y2894S variant (also known as c.8681A>C), located in coding exon 65 of the FBN2 gene, results from an A to C substitution at nucleotide position 8681. The tyrosine at codon 2894 is replaced by serine, an amino acid with dissimilar properties. This amino acid position is highly conserved in available vertebrate species. In addition, this alteration is predicted to be deleterious by in silico analysis. Based on the available evidence, the clinical significance of this variant remains unclear.

PreventionGenetics, part of Exact Sciences
Classification: Uncertain significance for FBN2-related condition. Last evaluated: 2025-07-13. Review status: criteria provided, single submitter. Criteria: ACMG Guidelines, 2015. Collection method: clinical testing. Allele origin: germline.
Comment: The FBN2 c.8681A>C variant is predicted to result in the amino acid substitution p.Tyr2894Ser. To our knowledge, this variant has not been reported in the literature or in a large population database (gnomAD), indicating this variant is rare. At this time, the clinical significance of this variant is uncertain due to the absence of conclusive functional and genetic evidence.

GeneDx
Classification: Uncertain significance. Last evaluated: 2025-06-03. Review status: criteria provided, single submitter. Criteria: GeneDx Variant Classification Process June 2021. Collection method: clinical testing. Allele origin: germline. Affected: yes.
Comment: Not observed at significant frequency in large population cohorts (gnomAD); In silico analysis, which includes protein predictors and evolutionary conservation, supports a deleterious effect; Has not been previously published as pathogenic or benign to our knowledge

Victorian Clinical Genetics Services, Murdoch Childrens Research Institute
Classification: Uncertain significance for Congenital contractural arachnodactyly. Last evaluated: 2023-07-17. Review status: criteria provided, single submitter. Criteria: ACMG Guidelines, 2015. Collection method: clinical testing. Allele origin: germline. Inheritance: Autosomal dominant inheritance. Affected: yes.
Comment: Based on the classification scheme VCGS_Germline_v1.3.4, this variant is classified as VUS-3B. Following criteria are met: 0105 - The mechanism of disease for this gene is not clearly established. However, dominant negative is a likely mechanism of disease (PMID: 31316167). (I) 0107 - This gene is associated with autosomal dominant disease. There are also rare reports of a severe form of congenital contractural arachnodactyly due to biallelic variants (PMID: 33571691). (I) 0115 - Variants in this gene are known to have variable expressivity. Intrafamilial and interfamilial variability is well reported for this gene (PMID: 20301560). (I) 0200 - Variant is predicted to result in a missense amino acid change from tyrosine to serine. (I) 0251 - This variant is heterozygous. (I) 0302 - Variant is present in gnomAD (v3) <0.001 for a dominant condition (1 heterozygote, 0 homozygotes). (SP) 0309 - An alternative amino acid change at the same position has been observed in gnomAD (v2) (p.(Tyr2894Cys): 1 heterozygote, 0 homozygotes). (I) 0502 - Missense variant with conflicting in silico predictions and uninformative conservation. (I) 0604 - Variant is not located in an established domain, motif, hotspot or informative constraint region. (I) 0710 - Another missense variant comparable to the one identified in this case has inconclusive previous evidence for pathogenicity. The p.(Tyr2894Cys) variant has been classified as a VUS by one clinical diagnostic laboratory (ClinVar). (I) 0809 - Previous evidence of pathogenicity for this variant is inconclusive. This variant has been classified as a VUS by two clinical diagnostic laboratories (ClinVar). (I) 0905 - No published segregation evidence has been identified for this variant. (I) 1007 - No published functional evidence has been identified for this variant. (I) 1208 - Inheritance information for this variant is not currently available in this individual. (I) Legend: (SP) - Supporting pathogenic, (I) - Information, (SB) - Supporting benign

Labcorp Genetics (formerly Invitae), Labcorp
Classification: Uncertain significance for Congenital contractural arachnodactyly. Last evaluated: 2021-10-06. Review status: criteria provided, single submitter. Criteria: Invitae Variant Classification Sherloc (09022015). Collection method: clinical testing. Allele origin: germline.
Comment: In summary, the available evidence is currently insufficient to determine the role of this variant in disease. Therefore, it has been classified as a Variant of Uncertain Significance. Advanced modeling of protein sequence and biophysical properties (such as structural, functional, and spatial information, amino acid conservation, physicochemical variation, residue mobility, and thermodynamic stability) performed at Invitae indicates that this missense variant is not expected to disrupt FBN2 protein function. This variant has not been reported in the literature in individuals affected with FBN2-related conditions. This variant is not present in population databases (ExAC no frequency). This sequence change replaces tyrosine with serine at codon 2894 of the FBN2 protein (p.Tyr2894Ser). The tyrosine residue is highly conserved and there is a large physicochemical difference between tyrosine and serine.

Literature cited by the submitters: PubMed 20301560 (cited by Victorian Clinical Genetics Services, Murdoch Childrens Research Institute); PubMed 31316167 (cited by Victorian Clinical Genetics Services, Murdoch Childrens Research Institute); PubMed 33571691 (cited by Victorian Clinical Genetics Services, Murdoch Childrens Research Institute).